The following is an entry in ClinVar:

NM_004252.5(NHERF1):c.917A>G (p.Gln306Arg)

Gene: NHERF1 (NHERF family PDZ scaffold protein 1; plus strand). Cytogenetic location: 17q25.1.
Variant type: single nucleotide variant.
Coding change: c.917A>G on transcript NM_004252.5 (MANE Select); coding-DNA position 917, A replaced by G.
Protein change: p.Gln306Arg; replaces glutamine 306 with arginine.
Molecular consequence: missense variant.
Genome position (GRCh38, 1-based): chr17:74,768,496, A>G. VCF-style: chr17-74768496-A-G. GRCh37 (hg19) VCF-style: chr17-72764635-A-G.
Other names: short protein forms Q306R.
Identifiers: ClinVar variation 2796169 (VCV002796169.3), dbSNP rs371164739, ClinGen allele CA8750828.

ClinVar aggregate classification (germline): Uncertain significance (1 of 4 stars; one submission).

Allele frequency attached by ClinVar (database versions not stated): gnomAD exomes below 0.00001; ExAC 0.00001; gnomAD 0.00001; TOPMed 0.00001; ESP Exome Variant Server 0.00008.
gnomAD v4.1: 6 of 1,613,920 alleles (0.00037%); highest among the groups gnomAD compares: South Asian, 0.0022%; no homozygotes.

Submission:

Labcorp Genetics (formerly Invitae), Labcorp
Classification: Uncertain significance. Last evaluated: 2023-12-01. Review status: criteria provided, single submitter. Criteria: Invitae Variant Classification Sherloc (09022015). Collection method: clinical testing. Allele origin: germline.
Comment: This sequence change replaces glutamine, which is neutral and polar, with arginine, which is basic and polar, at codon 306 of the SLC9A3R1 protein (p.Gln306Arg). This variant is present in population databases (rs371164739, gnomAD 0.006%). This variant has not been reported in the literature in individuals affected with SLC9A3R1-related conditions. An algorithm developed to predict the effect of missense changes on protein structure and function (PolyPhen-2) suggests that this variant is likely to be tolerated. In summary, the available evidence is currently insufficient to determine the role of this variant in disease. Therefore, it has been classified as a Variant of Uncertain Significance.